The following is an entry in ClinVar:

NM_002439.5(MSH3):c.3349C>T (p.Gln1117Ter)

Gene: MSH3 (mutS homolog 3; plus strand). Cytogenetic location: 5q14.1.
Variant type: single nucleotide variant.
Coding change: c.3349C>T on transcript NM_002439.5 (MANE Select); coding-DNA position 3349, C replaced by T.
Protein change: p.Gln1117Ter; replaces glutamine 1117 with a stop codon.
Molecular consequence: nonsense.
Genome position (GRCh38, 1-based): chr5:80,875,797, C>T. VCF-style: chr5-80875797-C-T. GRCh37 (hg19) VCF-style: chr5-80171616-C-T.
Other names: c.3349C>T (NM_002439.3); short protein forms Q1117*.
Identifiers: ClinVar variation 834663 (VCV000834663.10), dbSNP rs1746298598, ClinGen allele CA360347369.
Genomic context (GRCh38, chr5:80,875,797, plus strand): 5'-TGATTTTTCCCCAGAAAGAGACTCAAGTATTTTGCAAAGTTATGGACGATGCATAATGCA[C>T]AAGACCTGCAGAAGTGGACAGAGGAGTTCAACATGGAAGAAACACAGACTTCTCTTCTTC-3'

ClinVar aggregate classification (germline): Uncertain significance. Review status: criteria provided, multiple submitters, no conflicts (2 of 4 stars). 3 submissions from 3 submitters: Uncertain significance (3). Last evaluated 2025-06-23.

Conditions:
Hereditary cancer-predisposing syndrome. Also called: Hereditary neoplastic syndrome; Neoplastic Syndromes, Hereditary; Tumor predisposition; Hereditary Cancer Syndrome. Identifiers: Orphanet 140162, MedGen C0027672, MeSH D009386, MONDO:0015356.

Allele frequency attached by ClinVar (database versions not stated): TOPMed below 0.00001.

Submissions (3):

Quest Diagnostics Nichols Institute San Juan Capistrano
Classification: Uncertain significance. Last evaluated: 2025-06-23. Review status: criteria provided, single submitter. Criteria: Quest Diagnostics criteria. Collection method: clinical testing. Allele origin: unknown.
Comment: The MSH3 c.3349C>T (p.Gln1117*) variant is predicted to cause the premature termination of MSH3 protein synthesis. This variant results in the loss of last 21 amino acids and is not expected to trigger nonsense-mediated decay of the affected allele. This variant has not been reported in individuals with MSH3-related conditions in the published literature. This variant has not been reported in large, multi-ethnic general populations (Genome Aggregation Database). Based on the available information, we are unable to determine the clinical significance of this variant.

Labcorp Genetics (formerly Invitae), Labcorp
Classification: Uncertain significance. Last evaluated: 2025-06-15. Review status: criteria provided, single submitter. Criteria: Invitae Variant Classification Sherloc (09022015). Collection method: clinical testing. Allele origin: germline.
Comment: This sequence change creates a premature translational stop signal (p.Gln1117*) in the MSH3 gene. While this is not anticipated to result in nonsense mediated decay, it is expected to disrupt the last 21 amino acid(s) of the MSH3 protein. This variant is not present in population databases (gnomAD no frequency). This variant has not been reported in the literature in individuals affected with MSH3-related conditions. ClinVar contains an entry for this variant (Variation ID: 834663). Experimental studies and prediction algorithms are not available or were not evaluated, and the functional significance of this variant is currently unknown. Algorithms developed to predict the effect of sequence changes on RNA splicing suggest that this variant may disrupt the consensus splice site. In summary, the available evidence is currently insufficient to determine the role of this variant in disease. Therefore, it has been classified as a Variant of Uncertain Significance.

Ambry Genetics
Classification: Uncertain significance for Hereditary cancer-predisposing syndrome. Last evaluated: 2023-08-25. Review status: criteria provided, single submitter. Criteria: Ambry Variant Classification Scheme 2023. Collection method: clinical testing. Allele origin: germline.
Comment: The p.Q1117* variant (also known as c.3349C>T), located in coding exon 24 of the MSH3 gene, results from a C to T substitution at nucleotide position 3349. This changes the amino acid from a glutamine to a stop codon within coding exon 24. This alteration occurs at the 3' terminus of MSH3 gene, is not expected to trigger nonsense-mediated mRNAdecay, and only impacts the last 21 amino acids of the protein. The exact functional effect of this alteration is unknown. Since supporting evidence is limited at this time, the clinical significance of this alteration remains unclear.